The following is an entry in ClinVar:

NM_001930.4(DHPS):c.525T>C (p.Asn175=)

Gene: DHPS (deoxyhypusine synthase; minus strand). Cytogenetic location: 19p13.13.
Variant type: single nucleotide variant.
Coding change: c.525T>C on transcript NM_001930.4 (MANE Select); coding-DNA position 525, T replaced by C.
Protein change: p.Asn175=; no amino-acid change (asparagine 175 retained).
Molecular consequence: synonymous variant. On other transcripts: 5 prime UTR variant (1), non-coding transcript variant (4).
Genome position (GRCh38, 1-based): chr19:12,679,689, A>G on the plus strand (T>C on the coding strand, the complement: DHPS is on the minus strand). VCF-style: chr19-12679689-A-G. GRCh37 (hg19) VCF-style: chr19-12790503-A-G.
Other names: c.399T>C, p.Asn133= (NM_001206974.2); c.525T>C, p.Asn175= (NM_001369691.1, NM_001369692.1, NM_013406.3 and 1 more transcripts); c.-25T>C (NM_001369693.1).
Identifiers: ClinVar variation 2649342 (VCV002649342.24), dbSNP rs1208117313, ClinGen allele CA505771822.

ClinVar aggregate classification (germline): Likely benign (1 of 4 stars; one submission).

Allele frequency attached by ClinVar (database versions not stated): gnomAD exomes below 0.00001; TOPMed below 0.00001; gnomAD 0.00001.
gnomAD v4.1: 8 of 1,614,086 alleles (0.0005%); highest among the groups gnomAD compares: Middle Eastern, 0.016%; no homozygotes.

Submission:

CeGaT Center for Human Genetics Tuebingen
Classification: Likely benign. Last evaluated: 2023-01-01. Review status: criteria provided, single submitter. Criteria: CeGaT Center For Human Genetics Tuebingen Variant Classification Criteria Version 2. Collection method: clinical testing. Allele origin: germline. Affected: yes. Observed: 2 variant alleles.
Comment: DHPS: BP4, BP7